The following is an entry in ClinVar:

NM_020778.5(ALPK3):c.640C>T (p.Arg214Cys)

Gene: ALPK3 (alpha kinase 3; plus strand). Cytogenetic location: 15q25.3.
Variant type: single nucleotide variant.
Coding change: c.640C>T on transcript NM_020778.5 (MANE Select); coding-DNA position 640, C replaced by T.
Protein change: p.Arg214Cys; replaces arginine 214 with cysteine.
Molecular consequence: missense variant.
Genome position (GRCh38, 1-based): chr15:84,839,919, C>T. VCF-style: chr15-84839919-C-T. GRCh37 (hg19) VCF-style: chr15-85383150-C-T.
Other names: short protein forms R214C.
Identifiers: ClinVar variation 1759601 (VCV001759601.2), dbSNP rs1963638428, ClinGen allele CA393373205.
Genomic context (GRCh38, chr15:84,839,919, plus strand): 5'-CGCGAGATCGAGCAGAGCTGGAAGCACGAGAAGGCGGTGCCTGGGGAGGTCGACACTCTG[C>T]GCAAGCTCAGCCCCGACCGCTTCCAGCGAAAGCGGCGATTGAGCGGGGCTCAAGCGCCGG-3'
Protein context (NP_065829.4, residues 204-224): KAVPGEVDTL[Arg214Cys]KLSPDRFQRK

ClinVar aggregate classification (germline): Uncertain significance (1 of 4 stars; one submission).

Conditions:
Cardiovascular phenotype. Identifiers: MedGen CN230736.

Allele frequency attached by ClinVar (database versions not stated): gnomAD exomes below 0.00001.
gnomAD v4.1: 1 of 1,613,952 alleles (0.000062%); highest among the groups gnomAD compares: South Asian, 0.0011%; no homozygotes.

Submission:

Ambry Genetics
Classification: Uncertain significance for Cardiovascular phenotype. Last evaluated: 2022-07-27. Review status: criteria provided, single submitter. Criteria: Ambry Variant Classification Scheme 2023. Collection method: clinical testing. Allele origin: germline.
Comment: The p.R416C variant (also known as c.1246C>T), located in coding exon 5 of the ALPK3 gene, results from a C to T substitution at nucleotide position 1246. The arginine at codon 416 is replaced by cysteine, an amino acid with highly dissimilar properties. This amino acid position is conserved. In addition, the in silico prediction for this alteration is inconclusive. Since supporting evidence is limited at this time, the clinical significance of this alteration remains unclear.